The following is an entry in ClinVar:

NM_002286.6(LAG3):c.58+7C>T

Gene: LAG3 (lymphocyte activating 3; plus strand). Cytogenetic location: 12p13.31.
Variant type: single nucleotide variant.
Coding change: c.58+7C>T on transcript NM_002286.6 (MANE Select); 7 bases into the intron after coding-DNA position 58, C replaced by T.
Molecular consequence: intron variant.
Genome position (GRCh38, 1-based): chr12:6,772,917, C>T. VCF-style: chr12-6772917-C-T. GRCh37 (hg19) VCF-style: chr12-6882083-C-T.
Identifiers: ClinVar variation 789317 (VCV000789317.19), dbSNP rs183549619, ClinGen allele CA6415144.

ClinVar aggregate classification (germline): Benign/Likely benign. Review status: criteria provided, multiple submitters, no conflicts (2 of 4 stars). 2 submissions from 2 submitters: Benign (1); Likely benign (1). Last evaluated 2025-04-01.

Allele frequency attached by ClinVar (database versions not stated): 1000 Genomes Project 30x 0.00125; 1000 Genomes Project 0.00140; gnomAD exomes 0.00365 and 0.00513; gnomAD 0.00384 and 0.00404; TOPMed 0.00429; ExAC 0.00439; ESP Exome Variant Server 0.00500.
gnomAD v4.1: 8,050 of 1,613,656 alleles (0.5%); highest among the groups gnomAD compares: Non-Finnish European, 0.6%; 23 homozygotes.

Submissions (2):

CeGaT Center for Human Genetics Tuebingen
Classification: Likely benign. Last evaluated: 2025-04-01. Review status: criteria provided, single submitter. Criteria: CeGaT Center For Human Genetics Tuebingen Variant Classification Criteria Version 2. Collection method: clinical testing. Allele origin: germline. Affected: yes. Observed: 2 variant alleles.
Comment: LAG3: BP4, BS2

Labcorp Genetics (formerly Invitae), Labcorp
Classification: Benign. Last evaluated: 2018-08-21. Review status: criteria provided, single submitter. Criteria: Invitae Variant Classification Sherloc (09022015). Collection method: clinical testing. Allele origin: germline.